The following is an entry in ClinVar:

NM_000878.5(IL2RB):c.64T>C (p.Ser22Pro)

Gene: IL2RB (interleukin 2 receptor subunit beta; minus strand). Cytogenetic location: 22q12.3.
Variant type: single nucleotide variant.
Coding change: c.64T>C on transcript NM_000878.5 (MANE Select); coding-DNA position 64, T replaced by C.
Protein change: p.Ser22Pro; replaces serine 22 with proline.
Molecular consequence: missense variant.
Genome position (GRCh38, 1-based): chr22:37,144,109, A>G on the plus strand (T>C on the coding strand, the complement: IL2RB is on the minus strand). VCF-style: chr22-37144109-A-G. GRCh37 (hg19) VCF-style: chr22-37540149-A-G.
Other names: c.64T>C, p.Ser22Pro (NM_001346222.1, NM_001346223.2); short protein forms S22P.
Identifiers: ClinVar variation 1517159 (VCV001517159.3), dbSNP rs145316401, ClinGen allele CA10216775.

ClinVar aggregate classification (germline): Uncertain significance (1 of 4 stars; one submission).

Allele frequency attached by ClinVar (database versions not stated): gnomAD exomes 0.00004 and 0.00010; 1000 Genomes Project 30x 0.00016; ExAC 0.00033; gnomAD 0.00043 and 0.00048; TOPMed 0.00045; ESP Exome Variant Server 0.00055.
gnomAD v4.1: 127 of 1,552,458 alleles (0.0082%); highest among the groups gnomAD compares: African/African-American, 0.15%; no homozygotes.

Submission:

Labcorp Genetics (formerly Invitae), Labcorp
Classification: Uncertain significance. Last evaluated: 2022-07-25. Review status: criteria provided, single submitter. Criteria: Invitae Variant Classification Sherloc (09022015). Collection method: clinical testing. Allele origin: germline.
Comment: This sequence change replaces serine, which is neutral and polar, with proline, which is neutral and non-polar, at codon 22 of the IL2RB protein (p.Ser22Pro). This variant is present in population databases (rs145316401, gnomAD 0.1%). This variant has not been reported in the literature in individuals affected with IL2RB-related conditions. ClinVar contains an entry for this variant (Variation ID: 1517159). Algorithms developed to predict the effect of missense changes on protein structure and function output the following: SIFT: "Tolerated"; PolyPhen-2: "Benign"; Align-GVGD: "Class C0". The proline amino acid residue is found in multiple mammalian species, which suggests that this missense change does not adversely affect protein function. In summary, the available evidence is currently insufficient to determine the role of this variant in disease. Therefore, it has been classified as a Variant of Uncertain Significance.